The following is an entry in ClinVar:

ClinVar aggregate classification (germline): Pathogenic (1 of 4 stars; one submission).

Conditions:
Tuberous sclerosis 2 (TSC2). Identifiers: Orphanet 805, MedGen C1860707, MONDO:0013199, OMIM 613254.

Submission:

Division of Genomic Medicine, Department of Advanced Medicine, Medical Research Institute, Kanazawa Medical University
Classification: Pathogenic for Tuberous sclerosis 2. Last evaluated: 2020-07-10. Review status: criteria provided, single submitter. Criteria: ACMG Guidelines, 2015. Collection method: clinical testing. Allele origin: germline. Affected: yes. Observed: 2 variant alleles.
Comment: This data is from DNA microarray results. Platform is Affymetrix CytoScan HD Array.

NC_000016.10:g.1851807_2093151del

Genes: GFER (growth factor, augmenter of liver regeneration; plus strand), HS3ST6 (heparan sulfate-glucosamine 3-sulfotransferase 6; minus strand), LINC00254 (long intergenic non-protein coding RNA 254; minus strand), LINC02124 (long intergenic non-protein coding RNA 2124; plus strand), MEIOB (meiosis specific with OB-fold; minus strand) and 40 more. Cytogenetic location: 16p13.3.
Variant type: Deletion.
Other names: GRCh38/hg3816p13.3(chr16:1851807_2093151)x1.
Identifiers: ClinVar variation 978603 (VCV000978603.1).